The following is an entry in ClinVar:

ClinVar aggregate classification (germline): Uncertain significance (1 of 4 stars; one submission).

Conditions:
Hereditary cancer-predisposing syndrome. Also called: Hereditary neoplastic syndrome; Tumor predisposition; Hereditary Cancer Syndrome; Neoplastic Syndromes, Hereditary. Identifiers: Orphanet 140162, MedGen C0027672, MeSH D009386, MONDO:0015356.

Submission:

Ambry Genetics
Classification: Uncertain significance for Hereditary cancer-predisposing syndrome. Last evaluated: 2023-08-04. Review status: criteria provided, single submitter. Criteria: Ambry Variant Classification Scheme 2023. Collection method: clinical testing. Allele origin: germline.
Comment: The p.D2430N variant (also known as c.7288G>A), located in coding exon 15 of the APC gene, results from a G to A substitution at nucleotide position 7288. The aspartic acid at codon 2430 is replaced by asparagine, an amino acid with highly similar properties. This amino acid position is conserved. In addition, in silico predictors for this gene do not accurately predict pathogenicity. Since supporting evidence is limited at this time, the clinical significance of this alteration remains unclear.

NM_000038.6(APC):c.7288G>A (p.Asp2430Asn)

Gene: APC (APC regulator of Wnt signaling pathway; plus strand). Cytogenetic location: 5q22.2.
Variant type: single nucleotide variant.
Coding change: c.7288G>A on transcript NM_000038.6 (MANE Select); coding-DNA position 7288, G replaced by A.
Protein change: p.Asp2430Asn; replaces aspartic acid 2430 with asparagine.
Molecular consequence: missense variant. On other transcripts: non-coding transcript variant (2).
Genome position (GRCh38, 1-based): chr5:112,842,882, G>A. VCF-style: chr5-112842882-G-A. GRCh37 (hg19) VCF-style: chr5-112178579-G-A.
Other names: c.7288G>A, p.Asp2430Asn (NM_001127510.3, NM_001354895.2, NM_001407450.1); c.7234G>A, p.Asp2412Asn (NM_001127511.3); c.7342G>A, p.Asp2448Asn (NM_001354896.2, NM_001407447.1, NM_001407448.1 and 1 more transcripts); c.7318G>A, p.Asp2440Asn (NM_001354897.2); c.7213G>A, p.Asp2405Asn (NM_001354898.2); c.7204G>A, p.Asp2402Asn (NM_001354899.2); c.7165G>A, p.Asp2389Asn (NM_001354900.2); c.7111G>A, p.Asp2371Asn (NM_001354901.2, NM_001407453.1); and 11 more; short protein forms D2329N, D2412N, D2423N, D2301N, D2304N, D2347N, D2389N, D2440N.
Identifiers: ClinVar variation 2587016 (VCV002587016.2), dbSNP rs2149983574, ClinGen allele CA16037201.